The following is an entry in ClinVar:

ClinVar aggregate classification (germline): Conflicting classifications of pathogenicity. Review status: criteria provided, conflicting classifications (1 of 4 stars). 6 submissions from 6 submitters: Uncertain significance (3); Likely benign (1). 2 of the submissions do not count toward it. Last evaluated 2026-02-02.

Conditions:
Bloom syndrome (BLM). Also called: Bloom-Torre-Machacek syndrome. Identifiers: Orphanet 125, MedGen C0005859, MONDO:0008876, OMIM 210900.
Hereditary cancer-predisposing syndrome. Also called: Neoplastic Syndromes, Hereditary; Hereditary Cancer Syndrome; Hereditary neoplastic syndrome; Tumor predisposition. Identifiers: Orphanet 140162, MedGen C0027672, MeSH D009386, MONDO:0015356.

Allele frequency attached by ClinVar (database versions not stated): gnomAD exomes 0.00002 and 0.00001; TOPMed 0.00002; gnomAD 0.00003 and 0.00002; ExAC 0.00001.
gnomAD v4.1: 28 of 1,613,936 alleles (0.0017%); highest among the groups gnomAD compares: Middle Eastern, 0.016%; no homozygotes.

Submissions (6):

Labcorp Genetics (formerly Invitae), Labcorp
Classification: Uncertain significance for Bloom syndrome. Last evaluated: 2026-02-02. Review status: criteria provided, single submitter. Criteria: Invitae Variant Classification Sherloc (09022015). Collection method: clinical testing. Allele origin: germline.
Comment: This sequence change replaces arginine, which is basic and polar, with glutamine, which is neutral and polar, at codon 132 of the BLM protein (p.Arg132Gln). This variant is present in population databases (rs775197136, gnomAD 0.005%). This variant has not been reported in the literature in individuals affected with BLM-related conditions. ClinVar contains an entry for this variant (Variation ID: 581487). An algorithm developed to predict the effect of missense changes on protein structure and function outputs the following: PolyPhen-2: "Benign". The glutamine amino acid residue is found in multiple mammalian species, which suggests that this missense change does not adversely affect protein function. In summary, the available evidence is currently insufficient to determine the role of this variant in disease. Therefore, it has been classified as a Variant of Uncertain Significance.

GeneDx
Classification: Uncertain significance. Last evaluated: 2025-04-14. Review status: criteria provided, single submitter. Criteria: GeneDx Variant Classification Process June 2021. Collection method: clinical testing. Allele origin: germline.
Comment: Not observed at significant frequency in large population cohorts (gnomAD); In silico analysis indicates that this missense variant does not alter protein structure/function; Has not been previously published as pathogenic or benign to our knowledge

Sema4
Classification: Uncertain significance for Hereditary cancer-predisposing syndrome. Last evaluated: 2021-12-21. Review status: criteria provided, single submitter. Criteria: Sema4 Curation Guidelines. Collection method: curation. Allele origin: germline.
Comment: The BLM c.395G>A (p.R132Q) variant has not been reported in the literature to our knowledge. It was observed in 1/19944 chromosomes of the East Asian subpopulation, in the large and broad cohorts of the Genome Aggregation Database (PMID: 32461654). This variant has been reported in ClinVar (Variation ID 581487). In silico tools suggest the impact of the variant on protein function is benign, though these predictions have not been confirmed by functional studies. The evidence is insufficient to meet ACMG/AMP criteria for classifying the variant as benign or pathogenic. Thus, the clinical significance of this variant is currently uncertain.

Ambry Genetics
Classification: Likely benign for Hereditary cancer-predisposing syndrome. Last evaluated: 2019-06-26. Review status: criteria provided, single submitter. Criteria: Ambry Variant Classification Scheme 2023. Collection method: clinical testing. Allele origin: germline.

Clinical Genetics DNA and cytogenetics Diagnostics Lab, Erasmus MC, Erasmus Medical Center
Classification: Likely benign. Review status: no assertion criteria provided. Collection method: clinical testing. Allele origin: germline. Affected: yes. Study: VKGL Data-share Consensus. Not counted in ClinVar's aggregate classification.

Genome Diagnostics Laboratory, Amsterdam University Medical Center
Classification: Likely benign. Review status: no assertion criteria provided. Collection method: clinical testing. Allele origin: germline. Affected: yes. Study: VKGL Data-share Consensus. Not counted in ClinVar's aggregate classification.

NM_000057.4(BLM):c.395G>A (p.Arg132Gln)

Gene: BLM (BLM RecQ like helicase; plus strand). Cytogenetic location: 15q26.1.
Variant type: single nucleotide variant.
Coding change: c.395G>A on transcript NM_000057.4 (MANE Select); coding-DNA position 395, G replaced by A.
Protein change: p.Arg132Gln; replaces arginine 132 with glutamine.
Molecular consequence: missense variant. On other transcripts: 5 prime UTR variant (1).
Genome position (GRCh38, 1-based): chr15:90,749,663, G>A. VCF-style: chr15-90749663-G-A. GRCh37 (hg19) VCF-style: chr15-91292893-G-A.
Other names: c.395G>A, p.Arg132Gln (NM_001287246.2, NM_001287247.2); c.-897G>A (NM_001287248.2); short protein forms R132Q.
Identifiers: ClinVar variation 581487 (VCV000581487.17), dbSNP rs775197136, ClinGen allele CA7738288.
Genomic context (GRCh38, chr15:90,749,663, plus strand): 5'-TGCAGACTCCGAAGGAAGTTGTATGCACTACCCAAAACACACCAACTGTAAAGAAATCCC[G>A]GGATACTGCTCTCAAGAAATTAGAATTTAGTTCTTCACCAGATTCTTTAAGTACCATCAA-3'
Protein context (NP_000048.1, residues 122-142): TQNTPTVKKS[Arg132Gln]DTALKKLEFS